The following is an entry in ClinVar:

NM_012203.2(GRHPR):c.375del (p.Leu126fs)

Gene: GRHPR (glyoxylate and hydroxypyruvate reductase; plus strand). Cytogenetic location: 9p13.2.
Variant type: Deletion.
Coding change: c.375del on transcript NM_012203.2 (MANE Select); coding-DNA position 375, one base deleted (G; older notation c.375delG).
Protein change: p.Leu126fs; shifts the reading frame from leucine 126.
Molecular consequence: frameshift variant.
Genome position (GRCh38, 1-based): chr9:37,426,625, G deleted; the last of 2 consecutive G bases (chr9:37,426,624-37,426,625); deleting either gives the same sequence. VCF-style (leftmost placement, unchanged base first): chr9-37426623-CG-C. GRCh37 (hg19) VCF-style: chr9-37426620-CG-C.
Other names: short protein forms L126fs.
Identifiers: ClinVar variation 204249 (VCV000204249.5), dbSNP rs180177308, ClinGen allele CA275909.

ClinVar aggregate classification (germline): Pathogenic. Review status: criteria provided, multiple submitters, no conflicts (2 of 4 stars). 3 submissions from 3 submitters: Pathogenic (2). 1 of the submissions does not count toward it. Last evaluated 2024-09-07.

Conditions:
Primary hyperoxaluria, type II (HP2). Also called: D-GLYCERATE DEHYDROGENASE DEFICIENCY; Primary hyperoxaluria type 2; GLYCERIC ACIDURIA; GLYOXYLATE REDUCTASE/HYDROXYPYRUVATE REDUCTASE DEFICIENCY; OXALOSIS II. Identifiers: Orphanet 416, Orphanet 93599, MedGen C0268165, MONDO:0009824, OMIM 260000. Disease mechanism: loss of function.

Submissions (3):

Myriad Genetics, Inc.
Classification: Pathogenic for Primary hyperoxaluria, type II. Last evaluated: 2024-09-07. Review status: criteria provided, single submitter. Criteria: Myriad Autosomal Dominant, Autosomal Recessive and X-Linked Classification Criteria (2023). Collection method: clinical testing. Allele origin: unknown.
Comment: NM_012203.1(GRHPR):c.375delG(L126Cfs*8) is expected to be pathogenic in the context of primary hyperoxaluria type 2. This variant is predicted to lead to an abnormal or absent protein product due to the creation of a premature termination codon in GRHPR, a gene where loss-of-function variants are known to be pathogenic. Please note: this variant was assessed in the context of healthy population screening.

Labcorp Genetics (formerly Invitae), Labcorp
Classification: Pathogenic. Last evaluated: 2024-03-07. Review status: criteria provided, single submitter. Criteria: Invitae Variant Classification Sherloc (09022015). Collection method: clinical testing. Allele origin: germline.
Comment: This sequence change creates a premature translational stop signal (p.Leu126Cysfs*8) in the GRHPR gene. It is expected to result in an absent or disrupted protein product. Loss-of-function variants in GRHPR are known to be pathogenic (PMID: 25644115). This variant is not present in population databases (gnomAD no frequency). This premature translational stop signal has been observed in individual(s) with primary hyperoxaluria type 2 (PH2) (PMID: 14635115). ClinVar contains an entry for this variant (Variation ID: 204249). For these reasons, this variant has been classified as Pathogenic.

Clinical Biochemistry Laboratory, Health Services Laboratory
Classification: Pathogenic for Primary hyperoxaluria, type II. Last evaluated: 2014-11-27. Review status: no assertion criteria provided. Collection method: research. Allele origin: germline. Affected: yes. Not counted in ClinVar's aggregate classification.

Literature cited by the submitters: PubMed 25644115 (cited by Labcorp Genetics (formerly Invitae), Labcorp); PubMed 14635115 (cited by Labcorp Genetics (formerly Invitae), Labcorp and Clinical Biochemistry Laboratory, Health Services Laboratory).